The following is an entry in ClinVar:

NM_004447.6(EPS8):c.1291C>T (p.Pro431Ser)

Gene: EPS8 (EGFR pathway substrate 8, signaling adaptor; minus strand). Cytogenetic location: 12p12.3.
Variant type: single nucleotide variant.
Coding change: c.1291C>T on transcript NM_004447.6 (MANE Select); coding-DNA position 1291, C replaced by T.
Protein change: p.Pro431Ser; replaces proline 431 with serine.
Molecular consequence: missense variant.
Genome position (GRCh38, 1-based): chr12:15,650,966, G>A on the plus strand (C>T on the coding strand, the complement: EPS8 is on the minus strand). VCF-style: chr12-15650966-G-A. GRCh37 (hg19) VCF-style: chr12-15803900-G-A.
Other names: c.1291C>T, p.Pro431Ser (NM_001413831.1, NM_001413832.1, NM_001413833.1 and 2 more transcripts); c.1051C>T, p.Pro351Ser (NM_001413835.1, NM_001413836.1); c.874C>T, p.Pro292Ser (NM_001413837.1); c.511C>T, p.Pro171Ser (NM_001413838.1); short protein forms P351S, P171S, P292S, P431S.
Identifiers: ClinVar variation 1925353 (VCV001925353.3), dbSNP rs1344258207, ClinGen allele CA384029366.

ClinVar aggregate classification (germline): Uncertain significance (1 of 4 stars; one submission).

Allele frequency attached by ClinVar (database versions not stated): gnomAD exomes below 0.00001.
gnomAD v4.1: 2 of 1,614,108 alleles (0.00012%); highest among the groups gnomAD compares: Admixed American, 0.0017%; no homozygotes.

Submission:

Labcorp Genetics (formerly Invitae), Labcorp
Classification: Uncertain significance. Last evaluated: 2022-02-14. Review status: criteria provided, single submitter. Criteria: Invitae Variant Classification Sherloc (09022015). Collection method: clinical testing. Allele origin: germline.
Comment: In summary, the available evidence is currently insufficient to determine the role of this variant in disease. Therefore, it has been classified as a Variant of Uncertain Significance. This sequence change replaces proline, which is neutral and non-polar, with serine, which is neutral and polar, at codon 431 of the EPS8 protein (p.Pro431Ser). This variant is present in population databases (no rsID available, gnomAD 0.003%). This variant has not been reported in the literature in individuals affected with EPS8-related conditions. Algorithms developed to predict the effect of missense changes on protein structure and function are either unavailable or do not agree on the potential impact of this missense change (SIFT: "Not Available"; PolyPhen-2: "Possibly Damaging"; Align-GVGD: "Not Available").